The following is an entry in ClinVar:

ClinVar aggregate classification (germline): Pathogenic (1 of 4 stars; one submission).

Conditions:
Tuberous sclerosis 2 (TSC2). Identifiers: Orphanet 805, MedGen C1860707, MONDO:0013199, OMIM 613254.

Submission:

Labcorp Genetics (formerly Invitae), Labcorp
Classification: Pathogenic for Tuberous sclerosis 2. Last evaluated: 2022-06-07. Review status: criteria provided, single submitter. Criteria: Invitae Variant Classification Sherloc (09022015). Collection method: clinical testing. Allele origin: germline.
Comment: This sequence change creates a premature translational stop signal (p.Leu770Hisfs*2) in the TSC2 gene. It is expected to result in an absent or disrupted protein product. Loss-of-function variants in TSC2 are known to be pathogenic (PMID: 10205261, 17304050). This variant is not present in population databases (gnomAD no frequency). This premature translational stop signal has been observed in individual(s) with tuberous sclerosis complex (PMID: 32313033). For these reasons, this variant has been classified as Pathogenic.

Literature cited by the submitters: PubMed 10205261; PubMed 17304050; PubMed 32313033.

NM_000548.5(TSC2):c.2309_2315del (p.Leu770fs)

Gene: TSC2 (TSC complex subunit 2; plus strand). Cytogenetic location: 16p13.3.
Variant type: Deletion.
Coding change: c.2309_2315del on transcript NM_000548.5 (MANE Select); coding-DNA positions 2309 to 2315, 7 bases deleted (TGACAGC; older notation c.2309_2315delTGACAGC).
Protein change: p.Leu770fs; shifts the reading frame from leucine 770.
Molecular consequence: frameshift variant.
Genome position (GRCh38, 1-based): chr16:2,072,937-2,072,943, TGACAGC deleted; deleting any 7 consecutive bases within chr16:2,072,935-2,072,943 gives the same sequence; the c. name uses the placement nearest the transcript's 3' end. VCF-style (leftmost placement, unchanged base first): chr16-2072934-TGCTGACA-T. GRCh37 (hg19) VCF-style: chr16-2122935-TGCTGACA-T.
Other names: c.2309_2315del, p.Leu770fs (NM_001077183.3, NM_001114382.3, NM_001363528.2 and 3 more transcripts); c.2198_2204del, p.Leu733fs (NM_001318827.2); c.2162_2168del, p.Leu721fs (NM_001318829.2); c.1709_1715del, p.Leu570fs (NM_001318831.2); c.2342_2348del, p.Leu781fs (NM_001318832.2); c.2309_2315delTGACAGC, p.Leu770Hisfs (NM_001406663.1, NM_001406664.1, NM_001406665.1); c.2399_2405delTGACAGC, p.Leu800Hisfs (NM_001406667.1, NM_001406668.1); c.2198_2204delTGACAGC, p.Leu733Hisfs (NM_001406670.1, NM_001406678.1); and 7 more; short protein forms L721fs, L570fs, L733fs, L770fs, L781fs.
Identifiers: ClinVar variation 2098887 (VCV002098887.4), dbSNP rs2543767299, ClinGen allele CA2580090825.